The following is an entry in ClinVar:

ClinVar aggregate classification (germline): Likely benign (1 of 4 stars; one submission).

Allele frequency attached by ClinVar (database versions not stated): TOPMed 0.00001; gnomAD 0.00003; gnomAD exomes 0.00007; ExAC 0.00023; 1000 Genomes Project 30x 0.00042; 1000 Genomes Project 0.00053.
gnomAD v4.1: 80 of 1,208,980 alleles (0.0066%); highest among the groups gnomAD compares: South Asian, 0.13%; 1 homozygote.

Submission:

CeGaT Center for Human Genetics Tuebingen
Classification: Likely benign. Last evaluated: 2022-09-01. Review status: criteria provided, single submitter. Criteria: CeGaT Center For Human Genetics Tuebingen Variant Classification Criteria Version 2. Collection method: clinical testing. Allele origin: germline. Affected: yes. Observed: 1 variant allele.
Comment: DOCK11: BP4, BP7

NM_144658.4(DOCK11):c.6132C>T (p.Pro2044=)

Gene: DOCK11 (dedicator of cytokinesis 11; plus strand). Cytogenetic location: Xq24.
Variant type: single nucleotide variant.
Coding change: c.6132C>T on transcript NM_144658.4 (MANE Select); coding-DNA position 6132, C replaced by T.
Protein change: p.Pro2044=; no amino-acid change (proline 2044 retained).
Molecular consequence: synonymous variant.
Genome position (GRCh38, 1-based): chrX:118,685,717, C>T. VCF-style: chrX-118685717-C-T. GRCh37 (hg19) VCF-style: chrX-117819680-C-T.
Identifiers: ClinVar variation 2661271 (VCV002661271.24), dbSNP rs750628062, ClinGen allele CA10499852.
Genomic context (GRCh38, chrX:118,685,717, plus strand): 5'-ATGATAATCATGCTGATTTCTTCTGTTTTAGATATTACAAGAAGACACAATGCATTCTCC[C>T]TGGATGAGCAACACATTACATGTATTTTGTGCAATTAGTGGTACATCAAGTGACCGAGGT-3'
Protein context (NP_653259.3, residues 2034-2054): QILQEDTMHS[Pro2044=]WMSNTLHVFC